The following is an entry in ClinVar:

NM_020227.4(PRDM9):c.1907A>T (p.Tyr636Phe)

Gene: PRDM9 (PR/SET domain 9; plus strand). Cytogenetic location: 5p14.2.
Variant type: single nucleotide variant.
Coding change: c.1907A>T on transcript NM_020227.4 (MANE Select); coding-DNA position 1907, A replaced by T.
Protein change: p.Tyr636Phe; replaces tyrosine 636 with phenylalanine.
Molecular consequence: missense variant.
Genome position (GRCh38, 1-based): chr5:23,526,995, A>T. VCF-style: chr5-23526995-A-T. GRCh37 (hg19) VCF-style: chr5-23527104-A-T.
Other names: c.1907A>T, p.Tyr636Phe (NM_001376900.1); short protein forms Y636F.
Identifiers: ClinVar variation 3388003 (VCV003388003.14).

ClinVar aggregate classification (germline): Likely benign (1 of 4 stars; one submission).

gnomAD v4.1: 3,574 of 1,346,758 alleles (0.27%); highest among the groups gnomAD compares: South Asian, 0.35%; 15 homozygotes.

Submission:

CeGaT Center for Human Genetics Tuebingen
Classification: Likely benign. Last evaluated: 2024-11-01. Review status: criteria provided, single submitter. Criteria: CeGaT Center For Human Genetics Tuebingen Variant Classification Criteria Version 2. Collection method: clinical testing. Allele origin: germline. Affected: yes. Observed: 1 variant allele.
Comment: PRDM9: BP4, BS2